The following is an entry in ClinVar:

NM_002098.6(GUCA1B):c.38C>T (p.Ala13Val)

Gene: GUCA1B (guanylate cyclase activator 1B; minus strand). Cytogenetic location: 6p21.1.
Variant type: single nucleotide variant.
Coding change: c.38C>T on transcript NM_002098.6 (MANE Select); coding-DNA position 38, C replaced by T.
Protein change: p.Ala13Val; replaces alanine 13 with valine.
Molecular consequence: missense variant.
Genome position (GRCh38, 1-based): chr6:42,194,783, G>A on the plus strand (C>T on the coding strand, the complement: GUCA1B is on the minus strand). VCF-style: chr6-42194783-G-A. GRCh37 (hg19) VCF-style: chr6-42162521-G-A.
Other names: c.38C>T (NM_002098.5); short protein forms A13V.
Identifiers: ClinVar variation 3613015 (VCV003613015.3).

ClinVar aggregate classification (germline): Uncertain significance. Review status: criteria provided, multiple submitters, no conflicts (2 of 4 stars). 2 submissions from 2 submitters: Uncertain significance (2). Last evaluated 2025-05-25.

Submissions (2):

Ambry Genetics
Classification: Uncertain significance. Last evaluated: 2025-05-25. Review status: criteria provided, single submitter. Criteria: Ambry Variant Classification Scheme 2023. Collection method: clinical testing. Allele origin: germline.

Labcorp Genetics (formerly Invitae), Labcorp
Classification: Uncertain significance. Last evaluated: 2024-05-28. Review status: criteria provided, single submitter. Criteria: Invitae Variant Classification Sherloc (09022015). Collection method: clinical testing. Allele origin: germline.
Comment: This sequence change replaces alanine, which is neutral and non-polar, with valine, which is neutral and non-polar, at codon 13 of the GUCA1B protein (p.Ala13Val). This variant is present in population databases (rs755796695, gnomAD 0.001%). This variant has not been reported in the literature in individuals affected with GUCA1B-related conditions. Algorithms developed to predict the effect of missense changes on protein structure and function output the following: SIFT: "Not Available"; PolyPhen-2: "Benign"; Align-GVGD: "Not Available". The valine amino acid residue is found in multiple mammalian species, which suggests that this missense change does not adversely affect protein function. In summary, the available evidence is currently insufficient to determine the role of this variant in disease. Therefore, it has been classified as a Variant of Uncertain Significance.